The following is an entry in ClinVar:

NM_017636.4(TRPM4):c.2816T>A (p.Val939Glu)

Gene: TRPM4 (transient receptor potential cation channel subfamily M member 4; plus strand). Cytogenetic location: 19q13.33.
Variant type: single nucleotide variant.
Coding change: c.2816T>A on transcript NM_017636.4 (MANE Select); coding-DNA position 2816, T replaced by A.
Protein change: p.Val939Glu; replaces valine 939 with glutamic acid.
Molecular consequence: missense variant.
Genome position (GRCh38, 1-based): chr19:49,200,648, T>A. VCF-style: chr19-49200648-T-A. GRCh37 (hg19) VCF-style: chr19-49703905-T-A.
Other names: c.1208T>A, p.Val403Glu (NM_001321282.2); c.2294T>A, p.Val765Glu (NM_001321283.2); c.1754T>A, p.Val585Glu (NM_001321285.2); c.2381T>A, p.Val794Glu (NM_001195227.2); c.2471T>A, p.Val824Glu (NM_001321281.2); short protein forms V765E, V824E, V403E, V794E, V585E, V939E.
Identifiers: ClinVar variation 2866811 (VCV002866811.3), dbSNP rs1383279295, ClinGen allele CA406811722.
Genomic context (GRCh38, chr19:49,200,648, plus strand): 5'-GACTCAGCCACATCTCCCCACAGATGAAGGACGTGTTCTTCTTCCTCTTCTTCCTCGGCG[T>A]GTGGCTGGTAGCCTATGGCGTGGCCACGGAGGGGCTCCTGAGGCCACGGGACAGTGACTT-3'
Protein context (NP_060106.2, residues 929-949): DVFFFLFFLG[Val939Glu]WLVAYGVATE

ClinVar aggregate classification (germline): Uncertain significance (1 of 4 stars; one submission).

Conditions:
Progressive familial heart block type IB (PFHB1B). Identifiers: Orphanet 871, MedGen C1970298, MONDO:0011474, OMIM 604559.

Allele frequency attached by ClinVar (database versions not stated): TOPMed below 0.00001; gnomAD 0.00001.
gnomAD v4.1: 1 of 1,613,816 alleles (0.000062%); highest among the groups gnomAD compares: Non-Finnish European, 0.000085%; no homozygotes.

Submission:

Labcorp Genetics (formerly Invitae), Labcorp
Classification: Uncertain significance for Progressive familial heart block type IB. Last evaluated: 2023-05-22. Review status: criteria provided, single submitter. Criteria: Invitae Variant Classification Sherloc (09022015). Collection method: clinical testing. Allele origin: germline.
Comment: In summary, the available evidence is currently insufficient to determine the role of this variant in disease. Therefore, it has been classified as a Variant of Uncertain Significance. Algorithms developed to predict the effect of sequence changes on RNA splicing suggest that this variant may disrupt the consensus splice site. An algorithm developed to predict the effect of missense changes on protein structure and function (PolyPhen-2) suggests that this variant is likely to be disruptive. This variant has not been reported in the literature in individuals affected with TRPM4-related conditions. This variant is not present in population databases (gnomAD no frequency). This sequence change replaces valine, which is neutral and non-polar, with glutamic acid, which is acidic and polar, at codon 939 of the TRPM4 protein (p.Val939Glu).